The following is an entry in ClinVar:

ClinVar aggregate classification (germline): Likely benign (1 of 4 stars; one submission).

Allele frequency attached by ClinVar (database versions not stated): TOPMed 0.00001.
gnomAD v4.1: 3 of 152,598 alleles (0.002%); no homozygotes.

Submission:

GeneDx
Classification: Likely benign. Last evaluated: 2017-06-21. Review status: criteria provided, single submitter. Criteria: GeneDx Variant Classification (06012015). Collection method: clinical testing. Allele origin: germline. Affected: yes.
Comment: This variant is considered likely benign or benign based on one or more of the following criteria: it is a conservative change, it occurs at a poorly conserved position in the protein, it is predicted to be benign by multiple in silico algorithms, and/or has population frequency not consistent with disease.

NM_182916.3(TRNT1):c.-28+17C>G

Genes: TRNT1 (tRNA nucleotidyl transferase 1; plus strand), LOC129936047 (ATAC-STARR-seq lymphoblastoid silent region 14009; plus strand). Cytogenetic location: 3p26.2.
Variant type: single nucleotide variant.
Coding change: c.-28+17C>G on transcript NM_182916.3 (MANE Select); 17 bases into the intron after 28 bases upstream of the start codon, C replaced by G.
Molecular consequence: intron variant. On other transcripts: 5 prime UTR variant (2), non-coding transcript variant (4).
Genome position (GRCh38, 1-based): chr3:3,127,007, C>G. VCF-style: chr3-3127007-C-G. GRCh37 (hg19) VCF-style: chr3-3168691-C-G.
Other names: c.-310C>G (NM_001367322.1); c.-1039C>G (NM_001367323.1); c.-28+17C>G (NM_001302946.2, NM_001367321.1).
Identifiers: ClinVar variation 387457 (VCV000387457.1), dbSNP rs906898781, ClinGen allele CA16604503.